The following is an entry in ClinVar:

NM_001114748.2(TMEM240):c.167A>G (p.His56Arg)

Gene: TMEM240 (transmembrane protein 240; minus strand). Cytogenetic location: 1p36.33.
Variant type: single nucleotide variant.
Coding change: c.167A>G on transcript NM_001114748.2 (MANE Select); coding-DNA position 167, A replaced by G.
Protein change: p.His56Arg; replaces histidine 56 with arginine.
Molecular consequence: missense variant.
Genome position (GRCh38, 1-based): chr1:1,535,795, T>C on the plus strand (A>G on the coding strand, the complement: TMEM240 is on the minus strand). VCF-style: chr1-1535795-T-C. GRCh37 (hg19) VCF-style: chr1-1471175-T-C.
Other names: short protein forms H56R.
Identifiers: ClinVar variation 2628427 (VCV002628427.1), dbSNP rs2100695631, ClinGen allele CA337867348.
Genomic context (GRCh38, chr1:1,535,795, plus strand): 5'-TTCTCGGAGGCGTCCACCACCGACTGGTCCCCGTCGTACGGGATCACGTAGTGGATATGG[T>C]GCCTGGGGGCGGCAGGGCGGGCTGGCACCTCTCCCGCCACCCCCGGCCTGGCCTTCCCCC-3'
Protein context (NP_001108220.1, residues 46-66): DRVCHCNCGR[His56Arg]HIHYVIPYDG

ClinVar aggregate classification (germline): Uncertain significance (1 of 4 stars; one submission).

Conditions:
TMEM240-related disorder. Also called: TMEM240-related condition.

Submission:

PreventionGenetics, part of Exact Sciences
Classification: Uncertain significance for TMEM240-related condition. Last evaluated: 2022-10-11. Review status: criteria provided, single submitter. Criteria: ACMG Guidelines, 2015. Collection method: clinical testing. Allele origin: germline.
Comment: The TMEM240 c.167A>G variant is predicted to result in the amino acid substitution p.His56Arg. To our knowledge, this variant has not been reported in the literature or in a large population database, indicating this variant is rare. At this time, the clinical significance of this variant is uncertain due to the absence of conclusive functional and genetic evidence.